The following is an entry in ClinVar:

NM_001754.5(RUNX1):c.1000C>T (p.Arg334Cys)

Gene: RUNX1 (RUNX family transcription factor 1; minus strand). Cytogenetic location: 21q22.12.
Variant type: single nucleotide variant.
Coding change: c.1000C>T on transcript NM_001754.5 (MANE Select); coding-DNA position 1000, C replaced by T.
Protein change: p.Arg334Cys; replaces arginine 334 with cysteine.
Molecular consequence: missense variant.
Genome position (GRCh38, 1-based): chr21:34,792,578, G>A on the plus strand (C>T on the coding strand, the complement: RUNX1 is on the minus strand). VCF-style: chr21-34792578-G-A. GRCh37 (hg19) VCF-style: chr21-36164875-G-A.
Other names: NM_001754.5(RUNX1):c.1000C>T; p.Arg334Cys; c.919C>T, p.Arg307Cys (NM_001001890.3); short protein forms R334C, R307C.
Identifiers: ClinVar variation 851830 (VCV000851830.11), dbSNP rs2056460968, ClinGen allele CA410148684.

ClinVar aggregate classification (germline): Uncertain significance. Review status: reviewed by expert panel (3 of 4 stars). 3 submissions from 3 submitters: Uncertain significance (1). 2 of the submissions do not count toward it. Last evaluated 2024-09-25.

Conditions:
Inborn genetic diseases. Identifiers: MedGen C0950123, MeSH D030342.
Hereditary thrombocytopenia and hematological cancer predisposition syndrome associated with RUNX1. Also called: PLATELET DISORDER, ASPIRIN-LIKE; Familial Platelet Disorder with Propensity to Acute Myelogenous Leukemia; Familial thrombocytopenia with propensity to acute myelogenous leukemia; RUNX1 Familial Platelet Disorder with Associated Myeloid Malignancies. Identifiers: Orphanet 71290, MedGen C1832388, MeSH C563324, MONDO:0100083, OMIM 601399.
Hereditary thrombocytopenia and hematologic cancer predisposition syndrome. Identifiers: Orphanet 71290, MedGen CN281654, MONDO:0011071.

Submissions (3):

ClinGen Myeloid Malignancy Variant Curation Expert Panel
Classification: Uncertain significance for Hereditary thrombocytopenia and hematologic cancer predisposition syndrome. Last evaluated: 2024-09-25. Review status: reviewed by expert panel. Criteria: ClinGen MyeloMalig ACMG Specifications v2. Collection method: curation. Allele origin: germline. Inheritance: Autosomal dominant inheritance.
Comment: NM_001754.5(RUNX1):c.1000C>T (p.Arg334Cys) is a missense variant which is completely absent from all population databases with at least 20x coverage for RUNX1 (PM2_Supporting). In summary, the clinical significance of this variant is uncertain. ACMG/AMP criteria applied, as specified by the Myeloid Malignancy Variant Curation Expert Panel for RUNX1: PM2_supporting.

Ambry Genetics
Classification: Uncertain significance for Inborn genetic diseases. Last evaluated: 2026-07-02. Review status: criteria provided, single submitter. Criteria: Ambry Variant Classification Scheme 2023. Collection method: clinical testing. Allele origin: germline. Not counted in ClinVar's aggregate classification.
Comment: The p.R334C variant (also known as c.1000C>T), located in coding exon 8 of the RUNX1 gene, results from a C to T substitution at nucleotide position 1000. The arginine at codon 334 is replaced by cysteine, an amino acid with highly dissimilar properties. This amino acid position is conserved. In addition, this alteration is predicted to be deleterious by in silico analysis. Based on the available evidence, the clinical significance of this variant remains unclear.

Labcorp Genetics (formerly Invitae), Labcorp
Classification: Uncertain significance for Hereditary thrombocytopenia and hematological cancer predisposition syndrome associated with RUNX1. Last evaluated: 2021-12-29. Review status: criteria provided, single submitter. Criteria: Invitae Variant Classification Sherloc (09022015). Collection method: clinical testing. Allele origin: germline. Not counted in ClinVar's aggregate classification.
Comment: In summary, the available evidence is currently insufficient to determine the role of this variant in disease. Therefore, it has been classified as a Variant of Uncertain Significance. Algorithms developed to predict the effect of missense changes on protein structure and function are either unavailable or do not agree on the potential impact of this missense change (SIFT: "Deleterious"; PolyPhen-2: "Probably Damaging"; Align-GVGD: "Class C0"). ClinVar contains an entry for this variant (Variation ID: 851830). This variant has not been reported in the literature in individuals affected with RUNX1-related conditions. This variant is not present in population databases (gnomAD no frequency). This sequence change replaces arginine, which is basic and polar, with cysteine, which is neutral and slightly polar, at codon 334 of the RUNX1 protein (p.Arg334Cys).